The following is an entry in ClinVar:

NM_006231.4(POLE):c.579-5C>A

Gene: POLE (DNA polymerase epsilon, catalytic subunit; minus strand). Cytogenetic location: 12q24.33.
Variant type: single nucleotide variant.
Coding change: c.579-5C>A on transcript NM_006231.4 (MANE Select); 5 bases into the intron before coding-DNA position 579, C replaced by A.
Molecular consequence: intron variant.
Genome position (GRCh38, 1-based): chr12:132,677,724, G>T on the plus strand (C>A on the coding strand, the complement: POLE is on the minus strand). VCF-style: chr12-132677724-G-T. GRCh37 (hg19) VCF-style: chr12-133254310-G-T.
Other names: c.579-5C>A (NM_006231.2).
Identifiers: ClinVar variation 840150 (VCV000840150.10), dbSNP rs1417046088, ClinGen allele CA685566352.

ClinVar aggregate classification (germline): Conflicting classifications of pathogenicity. Review status: criteria provided, conflicting classifications (1 of 4 stars). 2 submissions from 2 submitters: Uncertain significance (1); Likely benign (1). Last evaluated 2025-01-31.

Conditions:
Hereditary cancer-predisposing syndrome. Also called: Neoplastic Syndromes, Hereditary; Tumor predisposition; Hereditary neoplastic syndrome; Hereditary Cancer Syndrome. Identifiers: Orphanet 140162, MedGen C0027672, MeSH D009386, MONDO:0015356.

Allele frequency attached by ClinVar (database versions not stated): TOPMed below 0.00001; gnomAD 0.00001; gnomAD exomes 0.00001.
gnomAD v4.1: 9 of 1,613,290 alleles (0.00056%); highest among the groups gnomAD compares: Non-Finnish European, 0.00076%; no homozygotes.

Submissions (2):

Ambry Genetics
Classification: Uncertain significance for Hereditary cancer-predisposing syndrome. Last evaluated: 2025-01-31. Review status: criteria provided, single submitter. Criteria: Ambry Variant Classification Scheme 2023. Collection method: clinical testing. Allele origin: germline.
Comment: The c.579-5C>A intronic variant results from a C to A substitution 5 nucleotides upstream from coding exon 7 in the POLE gene. This nucleotide position is poorly conserved in available vertebrate species. In silico splice site analysis predicts that this alteration will not have any significant effect on splicing. Based on the available evidence, the clinical significance of this variant remains unclear.

Labcorp Genetics (formerly Invitae), Labcorp
Classification: Likely benign. Last evaluated: 2023-08-03. Review status: criteria provided, single submitter. Criteria: Invitae Variant Classification Sherloc (09022015). Collection method: clinical testing. Allele origin: germline.